The following is an entry in ClinVar:

ClinVar aggregate classification (germline): Uncertain significance (1 of 4 stars; one submission).

Conditions:
Methylcobalamin deficiency type cblE (HMAE). Also called: VITAMIN B12-RESPONSIVE HOMOCYSTINURIA, cblE TYPE; HOMOCYSTINURIA-MEGALOBLASTIC ANEMIA, cblE COMPLEMENTATION TYPE; HOMOCYSTINURIA-MEGALOBLASTIC ANEMIA, cblE TYPE. Identifiers: Orphanet 2169, Orphanet 622, MedGen C1856057, MONDO:0009354, OMIM 236270.

gnomAD v4.1: 6 of 1,614,188 alleles (0.00037%); highest among the groups gnomAD compares: Non-Finnish European, 0.00042%; no homozygotes.

Submission:

Labcorp Genetics (formerly Invitae), Labcorp
Classification: Uncertain significance for Methylcobalamin deficiency type cblE. Last evaluated: 2023-03-24. Review status: criteria provided, single submitter. Criteria: Invitae Variant Classification Sherloc (09022015). Collection method: clinical testing. Allele origin: germline.
Comment: This sequence change replaces histidine, which is basic and polar, with arginine, which is basic and polar, at codon 599 of the MTRR protein (p.His599Arg). This variant is present in population databases (no rsID available, gnomAD 0.002%). This variant has not been reported in the literature in individuals affected with MTRR-related conditions. Advanced modeling of protein sequence and biophysical properties (such as structural, functional, and spatial information, amino acid conservation, physicochemical variation, residue mobility, and thermodynamic stability) performed at Invitae indicates that this missense variant is not expected to disrupt MTRR protein function. In summary, the available evidence is currently insufficient to determine the role of this variant in disease. Therefore, it has been classified as a Variant of Uncertain Significance.

NM_002454.3(MTRR):c.1796A>G (p.His599Arg)

Gene: MTRR (5-methyltetrahydrofolate-homocysteine methyltransferase reductase; plus strand). Cytogenetic location: 5p15.31.
Variant type: single nucleotide variant.
Coding change: c.1796A>G on transcript NM_002454.3 (MANE Select); coding-DNA position 1796, A replaced by G.
Protein change: p.His599Arg; replaces histidine 599 with arginine.
Molecular consequence: missense variant. On other transcripts: non-coding transcript variant (14).
Genome position (GRCh38, 1-based): chr5:7,897,091, A>G. VCF-style: chr5-7897091-A-G. GRCh37 (hg19) VCF-style: chr5-7897204-A-G.
Other names: c.1796A>G, p.His599Arg (NM_001364440.2, NM_001364441.2, NM_001364442.2 and 1 more transcripts); short protein forms H599R.
Identifiers: ClinVar variation 2787054 (VCV002787054.3), dbSNP rs777801608, ClinGen allele CA359159716.